The following is an entry in ClinVar:

ClinVar aggregate classification (germline): Likely benign (0 of 4 stars; one submission).

Conditions:
DNAH10-related disorder. Also called: DNAH10-related condition.

Allele frequency attached by ClinVar (database versions not stated): ExAC 0.00001; gnomAD 0.00002; TOPMed 0.00002; gnomAD exomes 0.00006; 1000 Genomes Project 30x 0.00016; 1000 Genomes Project 0.00020.
gnomAD v4.1: 83 of 1,613,778 alleles (0.0051%); highest among the groups gnomAD compares: Non-Finnish European, 0.0066%; no homozygotes.

Submission:

PreventionGenetics, part of Exact Sciences
Classification: Likely benign for DNAH10-related condition. Last evaluated: 2019-05-02. Review status: no assertion criteria provided. Collection method: clinical testing. Allele origin: germline.
Comment: This variant is classified as likely benign based on ACMG/AMP sequence variant interpretation guidelines (Richards et al. 2015 PMID: 25741868, with internal and published modifications).

NM_001372106.1(DNAH10):c.7332G>A (p.Ala2444=)

Gene: DNAH10 (dynein axonemal heavy chain 10; plus strand). Cytogenetic location: 12q24.31.
Variant type: single nucleotide variant.
Coding change: c.7332G>A on transcript NM_001372106.1 (MANE Select); coding-DNA position 7332, G replaced by A.
Protein change: p.Ala2444=; no amino-acid change (alanine 2444 retained).
Molecular consequence: synonymous variant.
Genome position (GRCh38, 1-based): chr12:123,867,932, G>A. VCF-style: chr12-123867932-G-A. GRCh37 (hg19) VCF-style: chr12-124352479-G-A.
Other names: c.6978G>A, p.Ala2326= (NM_001083900.1, NM_207437.3).
Identifiers: ClinVar variation 3037965 (VCV003037965.2), dbSNP rs141832237, ClinGen allele CA6864488.